The following is an entry in ClinVar:

ClinVar aggregate classification (germline): Uncertain significance (1 of 4 stars; one submission).

Submission:

Labcorp Genetics (formerly Invitae), Labcorp
Classification: Uncertain significance. Last evaluated: 2022-02-25. Review status: criteria provided, single submitter. Criteria: Invitae Variant Classification Sherloc (09022015). Collection method: clinical testing. Allele origin: germline.
Comment: In summary, the available evidence is currently insufficient to determine the role of this variant in disease. Therefore, it has been classified as a Variant of Uncertain Significance. This variant has not been reported in the literature in individuals affected with TRRAP-related conditions. This variant is not present in population databases (gnomAD no frequency). This sequence change creates a premature translational stop signal (p.Leu797Thrfs*2) in the TRRAP gene. It is expected to result in an absent or disrupted protein product. However, the current clinical and genetic evidence is not sufficient to establish whether loss-of-function variants in TRRAP cause disease.

NM_001375524.1(TRRAP):c.2389_2401del (p.Leu797fs)

Gene: TRRAP (transformation/transcription domain associated protein; plus strand). Cytogenetic location: 7q22.1.
Variant type: Deletion.
Coding change: c.2389_2401del on transcript NM_001375524.1 (MANE Select); coding-DNA positions 2389 to 2401, 13 bases deleted (CTGCACAAGCAGC).
Protein change: p.Leu797fs; shifts the reading frame from leucine 797.
Molecular consequence: frameshift variant.
Genome position (GRCh38, 1-based): chr7:98,917,446-98,917,458, CTGCACAAGCAGC deleted; deleting any 13 consecutive bases within chr7:98,917,444-98,917,458 gives the same sequence; the c. name uses the placement nearest the transcript's 3' end. VCF-style (leftmost placement, unchanged base first): chr7-98917443-GGCCTGCACAAGCA-G. GRCh37 (hg19) VCF-style: chr7-98515066-GGCCTGCACAAGCA-G.
Other names: c.2389_2401del, p.Leu797fs (NM_001244580.2, NM_003496.4); short protein forms L797fs.
Identifiers: ClinVar variation 2103301 (VCV002103301.4), dbSNP rs2484734702, ClinGen allele CA2580077936.